The following is an entry in ClinVar:

ClinVar aggregate classification (germline): Uncertain significance (1 of 4 stars; one submission).

Conditions:
Hereditary pancreatitis (PCTT). Also called: PRSS1-Related Hereditary Pancreatitis; Hereditary chronic pancreatitis. Identifiers: Orphanet 676, MedGen C0238339, MONDO:0008185, OMIM 167800.

gnomAD v4.1: 1 of 1,613,502 alleles (0.000062%); highest among the groups gnomAD compares: South Asian, 0.0011%; no homozygotes.

Submission:

Ambry Genetics
Classification: Uncertain significance for Hereditary pancreatitis. Last evaluated: 2025-03-07. Review status: criteria provided, single submitter. Criteria: Ambry Variant Classification Scheme 2023. Collection method: clinical testing. Allele origin: germline.
Comment: The c.-5C>T variant is located in the 5' untranslated region (5&rsquo; UTR) of the SPINK1 gene. This variant results from a C to T substitution 5 bases upstream from the first translated codon. This nucleotide position is not well conserved in available vertebrate species. Based on the available evidence, the clinical significance of this variant remains unclear.

NM_001379610.1(SPINK1):c.-5C>T

Gene: SPINK1 (serine peptidase inhibitor Kazal type 1; minus strand). Cytogenetic location: 5q32.
Variant type: single nucleotide variant.
Coding change: c.-5C>T on transcript NM_001379610.1 (MANE Select); 5 bases upstream of the start codon, C replaced by T.
Molecular consequence: 5 prime UTR variant.
Genome position (GRCh38, 1-based): chr5:147,831,582, G>A on the plus strand (C>T on the coding strand, the complement: SPINK1 is on the minus strand). VCF-style: chr5-147831582-G-A. GRCh37 (hg19) VCF-style: chr5-147211145-G-A.
Other names: c.-5C>T (NM_001354966.2, NM_003122.5).
Identifiers: ClinVar variation 3800737 (VCV003800737.1).